The following is an entry in ClinVar:

NM_025114.4(CEP290):c.5835T>C (p.Thr1945=)

Gene: CEP290 (centrosomal protein 290; minus strand). Cytogenetic location: 12q21.32.
Variant type: single nucleotide variant.
Coding change: c.5835T>C on transcript NM_025114.4 (MANE Select); coding-DNA position 5835, T replaced by C.
Protein change: p.Thr1945=; no amino-acid change (threonine 1945 retained).
Molecular consequence: synonymous variant.
Genome position (GRCh38, 1-based): chr12:88,071,801, A>G on the plus strand (T>C on the coding strand, the complement: CEP290 is on the minus strand). VCF-style: chr12-88071801-A-G. GRCh37 (hg19) VCF-style: chr12-88465578-A-G.
Identifiers: ClinVar variation 2643203 (VCV002643203.24), dbSNP rs2499740733, ClinGen allele CA481072029.
Genomic context (GRCh38, chr12:88,071,801, plus strand): 5'-TTTTACACATAATTAGTTTTATAATGATATTTAAACTCACTTGGCAAAAAGATCCTTCAA[A>G]GTATTCAACTGCTTTGTTAAAGTAAAGACTTCCCCCTCTTTCTCTTTTAACTTGTTTCGA-3'
Protein context (NP_079390.3, residues 1935-1955): EVFTLTKQLN[Thr1945=]LKDLFAKADK

ClinVar aggregate classification (germline): Likely benign (1 of 4 stars; one submission).

Submission:

CeGaT Center for Human Genetics Tuebingen
Classification: Likely benign. Last evaluated: 2023-08-01. Review status: criteria provided, single submitter. Criteria: CeGaT Center For Human Genetics Tuebingen Variant Classification Criteria Version 2. Collection method: clinical testing. Allele origin: germline. Affected: yes. Observed: 1 variant allele.
Comment: CEP290: PM2:Supporting, BP4, BP7